The following is an entry in ClinVar:

ClinVar aggregate classification (germline): Conflicting classifications of pathogenicity. Review status: criteria provided, conflicting classifications (1 of 4 stars). 2 submissions from 2 submitters: Uncertain significance (1); Likely benign (1). Last evaluated 2025-08-25.

Conditions:
Anterior segment dysgenesis. Also called: Ocular anterior segment dysgenesis. Identifiers: Orphanet 88632, MedGen C1862839, MONDO:0019503, HP:0007700.
Congenital primary aphakia. Also called: Anterior segment dysgenesis 2, multiple subtypes; ANTERIOR SEGMENT DYSGENESIS 2. Identifiers: Orphanet 83461, MedGen C1853230, MONDO:0012456, OMIM 610256.
Cardiovascular phenotype. Identifiers: MedGen CN230736.

Allele frequency attached by ClinVar (database versions not stated): gnomAD 0.00001.
gnomAD v4.1: 5 of 1,383,622 alleles (0.00036%); highest among the groups gnomAD compares: Middle Eastern, 0.026%; no homozygotes.

Submissions (2):

Labcorp Genetics (formerly Invitae), Labcorp
Classification: Uncertain significance for Anterior segment dysgenesis; Congenital primary aphakia. Last evaluated: 2025-08-25. Review status: criteria provided, single submitter. Criteria: Invitae Variant Classification Sherloc (09022015). Collection method: clinical testing. Allele origin: germline.
Comment: This sequence change affects codon 13 of the FOXE3 mRNA. It is a 'silent' change, meaning that it does not change the encoded amino acid sequence of the FOXE3 protein. The frequency data for this variant in the population databases is considered unreliable, as metrics indicate poor data quality at this position in the gnomAD database. This variant has not been reported in the literature in individuals affected with FOXE3-related conditions. ClinVar contains an entry for this variant (Variation ID: 3226210). In summary, the available evidence is currently insufficient to determine the role of this variant in disease. Therefore, it has been classified as a Variant of Uncertain Significance.

Ambry Genetics
Classification: Likely benign for Cardiovascular phenotype. Last evaluated: 2024-03-01. Review status: criteria provided, single submitter. Criteria: Ambry Variant Classification Scheme 2023. Collection method: clinical testing. Allele origin: germline.

NM_012186.3(FOXE3):c.39C>T (p.Phe13=)

Genes: FOXE3 (forkhead box E3; plus strand), LINC01389 (long independently transcribed non-coding RNA 1389; minus strand). Cytogenetic location: 1p33.
Variant type: single nucleotide variant.
Coding change: c.39C>T on transcript NM_012186.3 (MANE Select); coding-DNA position 39, C replaced by T.
Protein change: p.Phe13=; no amino-acid change (phenylalanine 13 retained).
Molecular consequence: synonymous variant.
Genome position (GRCh38, 1-based): chr1:47,416,354, C>T. VCF-style: chr1-47416354-C-T. GRCh37 (hg19) VCF-style: chr1-47882026-C-T.
Identifiers: ClinVar variation 3226210 (VCV003226210.3), dbSNP rs1350653181, ClinGen allele CA417891825.